The following is an entry in ClinVar:

ClinVar aggregate classification (germline): Uncertain significance (1 of 4 stars; one submission).

Allele frequency attached by ClinVar (database versions not stated): ExAC 0.00002; TOPMed 0.00002; gnomAD 0.00003 and 0.00004.
gnomAD v4.1: 33 of 1,613,584 alleles (0.002%); highest among the groups gnomAD compares: African/African-American, 0.0027%; no homozygotes.

Submission:

Labcorp Genetics (formerly Invitae), Labcorp
Classification: Uncertain significance. Last evaluated: 2024-02-23. Review status: criteria provided, single submitter. Criteria: Invitae Variant Classification Sherloc (09022015). Collection method: clinical testing. Allele origin: germline.
Comment: This sequence change replaces serine, which is neutral and polar, with asparagine, which is neutral and polar, at codon 469 of the SEPSECS protein (p.Ser469Asn). This variant is present in population databases (rs756069519, gnomAD 0.005%). This variant has not been reported in the literature in individuals affected with SEPSECS-related conditions. ClinVar contains an entry for this variant (Variation ID: 1421243). Algorithms developed to predict the effect of missense changes on protein structure and function output the following: SIFT: "Not Available"; PolyPhen-2: "Benign"; Align-GVGD: "Not Available". The asparagine amino acid residue is found in multiple mammalian species, which suggests that this missense change does not adversely affect protein function. In summary, the available evidence is currently insufficient to determine the role of this variant in disease. Therefore, it has been classified as a Variant of Uncertain Significance.

NM_016955.4(SEPSECS):c.1406G>A (p.Ser469Asn)

Gene: SEPSECS (Sep (O-phosphoserine) tRNA:Sec (selenocysteine) tRNA synthase; minus strand). Cytogenetic location: 4p15.2.
Variant type: single nucleotide variant.
Coding change: c.1406G>A on transcript NM_016955.4 (MANE Select); coding-DNA position 1406, G replaced by A.
Protein change: p.Ser469Asn; replaces serine 469 with asparagine.
Molecular consequence: missense variant.
Genome position (GRCh38, 1-based): chr4:25,124,031, C>T on the plus strand (G>A on the coding strand, the complement: SEPSECS is on the minus strand). VCF-style: chr4-25124031-C-T. GRCh37 (hg19) VCF-style: chr4-25125653-C-T.
Other names: short protein forms S469N.
Identifiers: ClinVar variation 1421243 (VCV001421243.4), dbSNP rs756069519, ClinGen allele CA2877149.